The following is an entry in ClinVar:

ClinVar aggregate classification (germline): Likely benign. Review status: criteria provided, single submitter (1 of 4 stars). 2 submissions from 2 submitters: Likely benign (1). 1 of the submissions does not count toward it. Last evaluated 2025-09-07.

Conditions:
FREM1-related disorder. Also called: FREM1-Related Disorders; FREM1-related condition.

Allele frequency attached by ClinVar (database versions not stated): TOPMed below 0.00001; gnomAD 0.00001; gnomAD exomes 0.00001; ExAC 0.00002.
gnomAD v4.1: 10 of 1,613,740 alleles (0.00062%); highest among the groups gnomAD compares: South Asian, 0.011%; no homozygotes.

Submissions (2):

Labcorp Genetics (formerly Invitae), Labcorp
Classification: Likely benign. Last evaluated: 2025-09-07. Review status: criteria provided, single submitter. Criteria: Invitae Variant Classification Sherloc (09022015). Collection method: clinical testing. Allele origin: germline.

PreventionGenetics, part of Exact Sciences
Classification: Likely benign for FREM1-related condition. Last evaluated: 2021-05-10. Review status: no assertion criteria provided. Collection method: clinical testing. Allele origin: germline. Not counted in ClinVar's aggregate classification.
Comment: This variant is classified as likely benign based on ACMG/AMP sequence variant interpretation guidelines (Richards et al. 2015 PMID: 25741868, with internal and published modifications).

NM_001379081.2(FREM1):c.5496T>C (p.Pro1832=)

Gene: FREM1 (FRAS1 related extracellular matrix 1; minus strand). Cytogenetic location: 9p22.3.
Variant type: single nucleotide variant.
Coding change: c.5496T>C on transcript NM_001379081.2 (MANE Select); coding-DNA position 5496, T replaced by C.
Protein change: p.Pro1832=; no amino-acid change (proline 1832 retained).
Molecular consequence: synonymous variant. On other transcripts: non-coding transcript variant (2), intron variant (1).
Genome position (GRCh38, 1-based): chr9:14,750,188, A>G on the plus strand (T>C on the coding strand, the complement: FREM1 is on the minus strand). VCF-style: chr9-14750188-A-G. GRCh37 (hg19) VCF-style: chr9-14750186-A-G.
Other names: c.1104T>C, p.Pro368= (NM_001177704.3, NM_001370061.2); c.5496T>C, p.Pro1832= (NM_144966.7); c.1016-1549T>C (NM_001370058.2).
Identifiers: ClinVar variation 3030336 (VCV003030336.3), dbSNP rs763039567, ClinGen allele CA4989744.